The following is an entry in ClinVar:

ClinVar aggregate classification (germline): Uncertain significance (1 of 4 stars; one submission).

Allele frequency attached by ClinVar (database versions not stated): gnomAD 0.00001; gnomAD exomes 0.00001; TOPMed 0.00001; ExAC 0.00002.
gnomAD v4.1: 10 of 1,613,198 alleles (0.00062%); highest among the groups gnomAD compares: Non-Finnish European, 0.00085%; no homozygotes.

Submission:

Labcorp Genetics (formerly Invitae), Labcorp
Classification: Uncertain significance. Last evaluated: 2022-07-28. Review status: criteria provided, single submitter. Criteria: Invitae Variant Classification Sherloc (09022015). Collection method: clinical testing. Allele origin: germline.
Comment: This variant has not been reported in the literature in individuals affected with CCBE1-related conditions. In summary, the available evidence is currently insufficient to determine the role of this variant in disease. Therefore, it has been classified as a Variant of Uncertain Significance. Algorithms developed to predict the effect of missense changes on protein structure and function are either unavailable or do not agree on the potential impact of this missense change (SIFT: "Tolerated"; PolyPhen-2: "Probably Damaging"; Align-GVGD: "Class C0"). This variant is present in population databases (rs747358738, gnomAD 0.003%). This sequence change replaces proline, which is neutral and non-polar, with glutamine, which is neutral and polar, at codon 406 of the CCBE1 protein (p.Pro406Gln).

NM_133459.4(CCBE1):c.1217C>A (p.Pro406Gln)

Gene: CCBE1 (collagen and calcium binding EGF domains 1; minus strand). Cytogenetic location: 18q21.32.
Variant type: single nucleotide variant.
Coding change: c.1217C>A on transcript NM_133459.4 (MANE Select); coding-DNA position 1217, C replaced by A.
Protein change: p.Pro406Gln; replaces proline 406 with glutamine.
Molecular consequence: missense variant.
Genome position (GRCh38, 1-based): chr18:59,435,912, G>T on the plus strand (C>A on the coding strand, the complement: CCBE1 is on the minus strand). VCF-style: chr18-59435912-G-T. GRCh37 (hg19) VCF-style: chr18-57103144-G-T.
Other names: short protein forms P406Q.
Identifiers: ClinVar variation 2175023 (VCV002175023.2), dbSNP rs747358738, ClinGen allele CA8980152.